The following is an entry in ClinVar:

ClinVar aggregate classification (germline): Uncertain significance. Review status: criteria provided, multiple submitters, no conflicts (2 of 4 stars). 2 submissions from 2 submitters: Uncertain significance (2). Last evaluated 2024-10-17.

Submissions (2):

Revvity Omics, Revvity
Classification: Uncertain significance. Last evaluated: 2024-10-17. Review status: criteria provided, single submitter. Criteria: ACMG Guidelines, 2015. Collection method: clinical testing. Allele origin: germline.

GeneDx
Classification: Uncertain significance. Last evaluated: 2021-06-18. Review status: criteria provided, single submitter. Criteria: GeneDx Variant Classification Process June 2021. Collection method: clinical testing. Allele origin: germline. Affected: yes.
Comment: Not observed at significant frequency in large population cohorts (Lek et al., 2016); In silico analysis supports that this missense variant has a deleterious effect on protein structure/function; Has not been previously published as pathogenic or benign to our knowledge; This variant is associated with the following publications: (PMID: 27535533)

NM_000032.5(ALAS2):c.1040C>T (p.Ser347Phe)

Gene: ALAS2 (5'-aminolevulinate synthase 2; minus strand). Cytogenetic location: Xp11.21.
Variant type: single nucleotide variant.
Coding change: c.1040C>T on transcript NM_000032.5 (MANE Select); coding-DNA position 1040, C replaced by T.
Protein change: p.Ser347Phe; replaces serine 347 with phenylalanine.
Molecular consequence: missense variant.
Genome position (GRCh38, 1-based): chrX:55,015,706, G>A on the plus strand (C>T on the coding strand, the complement: ALAS2 is on the minus strand). VCF-style: chrX-55015706-G-A. GRCh37 (hg19) VCF-style: chrX-55042139-G-A.
Other names: c.929C>T, p.Ser310Phe (NM_001037967.4); c.1001C>T, p.Ser334Phe (NM_001037968.4); short protein forms S310F, S334F, S347F.
Identifiers: ClinVar variation 1328685 (VCV001328685.3), dbSNP rs2146717399, ClinGen allele CA413293757.